The following is an entry in ClinVar:

NM_001017989.3(OPA3):c.331A>G (p.Lys111Glu)

Genes: OPA3 (outer mitochondrial membrane lipid metabolism regulator OPA3; minus strand), OPA3-RTN2 (OPA3-RTN2 readthrough; minus strand). Cytogenetic location: 19q13.32.
Variant type: single nucleotide variant.
Coding change: c.331A>G on transcript NM_001017989.3; coding-DNA position 331, A replaced by G.
Protein change: p.Lys111Glu; replaces lysine 111 with glutamic acid.
Molecular consequence: missense variant.
Genome position (GRCh38, 1-based): chr19:45,529,268, T>C on the plus strand (A>G on the coding strand, the complement: OPA3 is on the minus strand). VCF-style: chr19-45529268-T-C. GRCh37 (hg19) VCF-style: chr19-46032526-T-C.
Other names: short protein forms K111E.
Identifiers: ClinVar variation 1723087 (VCV001723087.2), dbSNP rs1969031550, ClinGen allele CA406381992.
Genomic context (GRCh38, chr19:45,529,268, plus strand): 5'-GCCCCAAGTGGCCCACCTCGCCCCGCAGCGCCTCCCTGGCAACACGTCGCTCCTTTTCCT[T>C]GCGGCGCTGCTGCAACTGGTGGCGCCAATACTCCAGCATCAGGCAGCTGCAGGCGGTGAT-3'

ClinVar aggregate classification (germline): Uncertain significance (1 of 4 stars; one submission).

Allele frequency attached by ClinVar (database versions not stated): gnomAD exomes below 0.00001; TOPMed below 0.00001.
gnomAD v4.1: 2 of 1,613,926 alleles (0.00012%); highest among the groups gnomAD compares: Non-Finnish European, 0.00017%; no homozygotes.

Submission:

GeneDx
Classification: Uncertain significance. Last evaluated: 2022-05-06. Review status: criteria provided, single submitter. Criteria: GeneDx Variant Classification Process June 2021. Collection method: clinical testing. Allele origin: germline. Affected: yes.
Comment: Not observed at significant frequency in large population cohorts (gnomAD); In silico analysis supports that this missense variant has a deleterious effect on protein structure/function; Has not been previously published as pathogenic or benign to our knowledge